The following is an entry in ClinVar:

NM_032578.4(MYPN):c.2779G>T (p.Glu927Ter)

Gene: MYPN (myopalladin; plus strand). Cytogenetic location: 10q21.3.
Variant type: single nucleotide variant.
Coding change: c.2779G>T on transcript NM_032578.4 (MANE Select); coding-DNA position 2779, G replaced by T.
Protein change: p.Glu927Ter; replaces glutamic acid 927 with a stop codon.
Molecular consequence: nonsense. On other transcripts: non-coding transcript variant (2).
Genome position (GRCh38, 1-based): chr10:68,188,980, G>T. VCF-style: chr10-68188980-G-T. GRCh37 (hg19) VCF-style: chr10-69948737-G-T.
Other names: c.2779G>T, p.Glu927Ter (NM_001256267.2); c.1897G>T, p.Glu633Ter (NM_001256268.2); short protein forms E633*, E927*.
Identifiers: ClinVar variation 3298139 (VCV003298139.1).

ClinVar aggregate classification (germline): Pathogenic (1 of 4 stars; one submission).

Conditions:
Cardiovascular phenotype. Identifiers: MedGen CN230736.

gnomAD v4.1: 2 of 1,614,134 alleles (0.00012%); highest among the groups gnomAD compares: African/African-American, 0.0027%; no homozygotes.

Submission:

Ambry Genetics
Classification: Pathogenic for Cardiovascular phenotype. Last evaluated: 2024-05-06. Review status: criteria provided, single submitter. Criteria: Ambry Variant Classification Scheme 2023. Collection method: clinical testing. Allele origin: germline.
Comment: The p.E927* pathogenic mutation (also known as c.2779G>T), located in coding exon 12 of the MYPN gene, results from a G to T substitution at nucleotide position 2779. This changes the amino acid from a glutamic acid to a stop codon within coding exon 12. This alteration is expected to result in loss of function by premature protein truncation or nonsense-mediated mRNA decay. As such, this alteration is interpreted as a disease-causing mutation.